The following is an entry in ClinVar:

ClinVar aggregate classification (germline): Likely benign. Review status: criteria provided, single submitter (1 of 4 stars). 2 submissions from 2 submitters: Likely benign (1). 1 of the submissions does not count toward it. Last evaluated 2024-11-22.

Conditions:
NUP214-related disorder. Also called: NUP214-related disorders; NUP214-related condition.

Allele frequency attached by ClinVar (database versions not stated): gnomAD exomes 0.00016; gnomAD 0.00026; TOPMed 0.00028; ExAC 0.00040; 1000 Genomes Project 0.00120.
gnomAD v4.1: 302 of 1,614,138 alleles (0.019%); highest among the groups gnomAD compares: East Asian, 0.36%; no homozygotes.

Submissions (2):

Blueprint Genetics
Classification: Likely benign. Last evaluated: 2024-11-22. Review status: criteria provided, single submitter. Criteria: ACMG Guidelines, 2015. Collection method: clinical testing. Allele origin: germline.

PreventionGenetics, part of Exact Sciences
Classification: Likely benign for NUP214-related condition. Last evaluated: 2020-05-15. Review status: no assertion criteria provided. Collection method: clinical testing. Allele origin: germline. Not counted in ClinVar's aggregate classification.
Comment: This variant is classified as likely benign based on ACMG/AMP sequence variant interpretation guidelines (Richards et al. 2015 PMID: 25741868, with internal and published modifications).

NM_005085.4(NUP214):c.1595C>T (p.Pro532Leu)

Gene: NUP214 (nucleoporin 214; plus strand). Cytogenetic location: 9q34.13.
Variant type: single nucleotide variant.
Coding change: c.1595C>T on transcript NM_005085.4 (MANE Select); coding-DNA position 1595, C replaced by T.
Protein change: p.Pro532Leu; replaces proline 532 with leucine.
Molecular consequence: missense variant.
Genome position (GRCh38, 1-based): chr9:131,144,580, C>T. VCF-style: chr9-131144580-C-T. GRCh37 (hg19) VCF-style: chr9-134019967-C-T.
Other names: c.1595C>T, p.Pro532Leu (NM_001318324.2); short protein forms P532L.
Identifiers: ClinVar variation 3048332 (VCV003048332.3), dbSNP rs189969939, ClinGen allele CA5289055.